The following is an entry in ClinVar:

ClinVar aggregate classification (germline): Pathogenic/Likely pathogenic. Review status: criteria provided, multiple submitters, no conflicts (2 of 4 stars). 10 submissions from 10 submitters: Pathogenic (8); Likely pathogenic (1). 1 of the submissions does not count toward it. Last evaluated 2025-07-03.

Conditions:
Von Hippel-Lindau syndrome (VHLS). Also called: VHL syndrome; Von Hippel-Lindau; von Hippel–Lindau syndrome. Identifiers: Orphanet 892, MedGen C0019562, MONDO:0008667, OMIM 193300. Disease mechanism: loss of function.
VHL-related disorder. Also called: VHL-related condition.
Chuvash polycythemia. Also called: POLYCYTHEMIA, VHL-DEPENDENT. Identifiers: Orphanet 238557, MedGen C1837915, MONDO:0009892, OMIM 263400.
Hereditary cancer-predisposing syndrome. Also called: Tumor predisposition; Neoplastic Syndromes, Hereditary; Hereditary neoplastic syndrome; Hereditary Cancer Syndrome. Identifiers: Orphanet 140162, MedGen C0027672, MeSH D009386, MONDO:0015356.

Submissions 1 to 7 of 10:

ARUP Laboratories, Molecular Genetics and Genomics, ARUP Laboratories
Classification: Pathogenic. Last evaluated: 2025-07-03. Review status: criteria provided, single submitter. Criteria: ARUP Molecular Germline Variant Investigation Process 2024. Collection method: clinical testing. Allele origin: germline.
Comment: The VHL c.256C>T; p.Pro86Ser variant (rs398123481, ClinVar Variation ID: 178692), also known as c.469C>T; p.Pro157Ser, is reported in the literature in several individuals with clinical suspicion or a diagnosis of von Hippel-Lindau syndrome (VHL; Dallagnol 2023, de Cubas 2013, Kondo 1995, Kong 2021, Lima 2023, Ong 2007, Park 2015, Tamura 2023, Wong 2016, Yuan 2016, Zhou 2021). Additionally, other amino acid substitutions at this codon (Pro86Leu, Pro86Ala, Pro86Arg) have been reported in individuals affected with VHL (Kondo 1995, Ong 2007, Tamura 2023, Wong 2016), and the residue at amino acid position 86 is considered a mutational hot spot (Chiorean 2022). The Pro86Ser variant is absent from the Genome Aggregation Database (v2.1.1), indicating it is not a common polymorphism. Computational analyses predict that this variant is deleterious (REVEL: 0.879). Based on available information, the VHL c.256C>T; p.Pro86Ser variant is considered to be pathogenic. References: Chiorean A et al. Large scale genotype- and phenotype-driven machine learning in Von Hippel-Lindau disease. Hum Mutat. 2022 Sep;43(9):1268-1285. PMID: 35475554. Dallagnol TN et al. Comprehensive characterization and building of National Registry of von Hippel-Lindau disease in Brazil. Mol Genet Genomic Med. 2023 Apr;11(4):e2136. PMID: 36625343. de Cubas AA et al. Integrative analysis of miRNA and mRNA expression profiles in pheochromocytoma and paraganglioma identifies genotype-specific markers and potentially regulated pathways. Endocr Relat Cancer. 2013 Jun 24;20(4):477-93. PMID: 23660872. Kondo et al. Germline mutations in the von Hippel-Lindau disease (VHL) gene in Japanese VHL. Clinical Research Group for VHL in Japan. Hum Mol Genet. 1995 Dec;4(12):2233-7. PMID: 8634692. Kong W et al. Germline Mutation Landscape and Associated Clinical Characteristics in Chinese Patients With Renal Cell Carcinoma. Front Oncol. 2021 Dec 2;11:737547. PMID: 34926252. Lima JV Jr et al. Germline genetic variants in pheochromocytoma/paraganglioma: single-center experience. Endocr Oncol. 2023 May 10;3(1):e220091. PMID: 37529773. Ong KR et al. Genotype-phenotype correlations in von Hippel-Lindau disease. Hum Mutat. 2007 Feb;28(2):143-9. PMID: 17024664. Park TY et al. Clinical features of pancreatic involvement in von Hippel-Lindau disease: a retrospective study of 55 cases in a single center. Scand J Gastroenterol. 2015 Mar;50(3):360-7. PMID: 25562111. Tamura K et al. Variant spectrum of von Hippel-Lindau disease and its genomic heterogeneity in Japan. Hum Mol Genet. 2023 Jun 5;32(12):2046-2054. PMID: 36905328. Wong M et al. Clinical and molecular characteristics of East Asian patients with von Hippel-Lindau syndrome. Chin J Cancer. 2016 Aug 15;35(1):79. PMID: 27527340. Yuan P et al. Germline mutations in the VHL gene associated with 3 different renal lesions in a Chinese von Hippel-Lindau disease family. Cancer Biol Ther. 2016 Jun 2;17(6):599-603. PMID: 27057652. Zhou Y et al. Whole-Exome Sequencing Reveals Novel Variations in Patients with Familial Von Hippel-Lindau Syndrome. World Neurosurg. 2021 Jun;150:e696-e704. PMID: 33774214.

Labcorp Genetics (formerly Invitae), Labcorp
Classification: Pathogenic for Von Hippel-Lindau syndrome; Chuvash polycythemia. Last evaluated: 2025-06-11. Review status: criteria provided, single submitter. Criteria: Invitae Variant Classification Sherloc (09022015). Collection method: clinical testing. Allele origin: germline.
Comment: This sequence change replaces proline, which is neutral and non-polar, with serine, which is neutral and polar, at codon 86 of the VHL protein (p.Pro86Ser). This variant is not present in population databases (gnomAD no frequency). This missense change has been observed in individuals with von Hippel-Lindau syndrome (PMID: 8634692, 9829912, 19464396, 27057652, 27527340). It has also been observed to segregate with disease in related individuals. This variant is also known as 469C>T, Pro157Ser. ClinVar contains an entry for this variant (Variation ID: 178692). Invitae Evidence Modeling of protein sequence and biophysical properties (such as structural, functional, and spatial information, amino acid conservation, physicochemical variation, residue mobility, and thermodynamic stability) indicates that this missense variant is expected to disrupt VHL protein function with a positive predictive value of 95%. This variant disrupts the p.Pro86 amino acid residue in VHL. Other variant(s) that disrupt this residue have been determined to be pathogenic (PMID: 7728151, 9829911, 11257211, 17024664, 19408298). This suggests that this residue is clinically significant, and that variants that disrupt this residue are likely to be disease-causing. For these reasons, this variant has been classified as Pathogenic.

Genomic Medicine Center of Excellence, King Faisal Specialist Hospital and Research Centre
Classification: Pathogenic for Chuvash polycythemia. Last evaluated: 2024-12-17. Review status: criteria provided, single submitter. Criteria: ACMG Guidelines, 2015. Collection method: clinical testing. Allele origin: germline.

Institute for Genomic Medicine (IGM) Clinical Laboratory, Nationwide Children's Hospital
Classification: Pathogenic for Von Hippel-Lindau syndrome. Last evaluated: 2024-11-27. Review status: criteria provided, single submitter. Criteria: ACMG Guidelines, 2015. Collection method: clinical testing. Allele origin: germline.
Comment: Well-established functional studies have demonstrated this variant to have a damaging effect on protein function or splicing (ACMG/AMP: PS3_Supporting; PMID:18836774). This variant has been reported at an elevated frequency in affected individuals/in multiple affected individuals in the literature (ACMG/AMP: PS4; PMIDs:16952288, 18580449, 22357542, 23660872, 25562111, 27057652). This variant is absent from or present at an exceedingly low frequency in gnomAD, a large-scale control population database (ACMG/AMP: PM2). A different substitution at this amino acid position has been reported as pathogenic (ACMG/AMP: PM5). This variant is predicted to alter protein function or structure, or disrupt splicing by multiple in silico tools (ACMG/AMP: PP3).

Ambry Genetics
Classification: Pathogenic for Hereditary cancer-predisposing syndrome. Last evaluated: 2023-04-06. Review status: criteria provided, single submitter. Criteria: Ambry Variant Classification Scheme 2023. Collection method: clinical testing. Allele origin: germline.
Comment: The p.P86S pathogenic mutation (also known as c.256C>T), located in coding exon 1 of the VHL gene, results from a C to T substitution at nucleotide position 256. The proline at codon 86 is replaced by serine, an amino acid with similar properties. This mutation has been detected in multiple individuals meeting clinical criteria for Von Hippel-Lindau (VHL) disease with symptoms including retinal angiomas, cerebellar hemangioblastomas, pheochromocytomas, renal cell carcinoma, and pancreatic cysts and tumors (Kondo K et. al. Hum. Mol. Genet. 1995 Dec;4:2233-7; Ong KR, et al. Hum. Mutat. 2007 Feb;28:143-9; Whaley JM et al. Am. J. Hum. Genet. 1994 Dec;55:1092-102; Ciotti P et al. Eur J Med Genet. 2009 May;52:311-4; Dollfus H et al. Invest. Ophthalmol. Vis. Sci. 2002 Sep;43:3067-74; Elli L et al. Am. J. Gastroenterol. 2006 Nov;101:2655-8; Wu P et al. J. Hum. Genet. 2012 Apr;57:238-43; Rothberg PG et al. Mol. Diagn. 2001 Mar;6:49-54; Park TY et al. Scand. J. Gastroenterol. 2015 Mar;50:360-7; Olschwang S et al. Hum. Mutat. 1998;12:424-30; Gallou C et al. Hum. Mutat. 2004 Sep;24:215-24; Corcos O et al. Pancreas. 2008 Jul;37:85-93. Several other alterations at the same codon (p.P86A, p.P86L, and p.P86R) have been reported in individuals with VHL (Nordstrom-O'Brien M et al. Hum. Mutat. 2010 May;31:521-37). In addition, based on both internal structural analysis and published structural analysis, this alteration is anticipated to result in a significant decrease in structural stability (Van Molle I et al. Chem. Biol. 2012 Oct;19:1300-12; Yuan P et al. Cancer Biol. Ther. 2016 Jun;17:599-603). Of note, this mutation is also designated as p.P157S (c.469C>T) in published literature. Based on the supporting evidence, this alteration is interpreted as a disease-causing mutation.

GeneDx
Classification: Pathogenic. Last evaluated: 2022-11-03. Review status: criteria provided, single submitter. Criteria: GeneDx Variant Classification Process June 2021. Collection method: clinical testing. Allele origin: germline. Affected: yes.
Comment: Not observed at significant frequency in large population cohorts (gnomAD); In silico analysis supports that this missense variant has a deleterious effect on protein structure/function; Also known as c.469C>T, p.P157S, p.P127S; This variant is associated with the following publications: (PMID: 25562111, 7977367, 23660872, 18836774, 8956040, 9829912, 15300849, 8634692, 16952288, 27057652, 22357542, 20151405, 17024664, 10761708, 16506495, 19464396, 19215943, 18580449, 27527340, 33774214, 34926252, Al-Hadlaq[article]2022)

Blueprint Genetics
Classification: Pathogenic for VHL-related disorders. Last evaluated: 2020-03-04. Review status: criteria provided, single submitter. Criteria: ACMG Guidelines, 2015. Collection method: clinical testing. Allele origin: germline. Affected: yes. Observed: 1 variant allele.

NM_000551.4(VHL):c.256C>T (p.Pro86Ser)

Gene: VHL (von Hippel-Lindau tumor suppressor; plus strand). Cytogenetic location: 3p25.3.
Variant type: single nucleotide variant.
Coding change: c.256C>T on transcript NM_000551.4 (MANE Select); coding-DNA position 256, C replaced by T.
Protein change: p.Pro86Ser; replaces proline 86 with serine.
Molecular consequence: missense variant.
Genome position (GRCh38, 1-based): chr3:10,142,103, C>T. VCF-style: chr3-10142103-C-T. GRCh37 (hg19) VCF-style: chr3-10183787-C-T.
Other names: c.256C>T, p.Pro86Ser (NM_001354723.2, NM_198156.3); short protein forms P86S.
Identifiers: ClinVar variation 178692 (VCV000178692.26), dbSNP rs398123481, ClinGen allele CA020180.